The following is an entry in ClinVar:

NM_006415.4(SPTLC1):c.524T>C (p.Ile175Thr)

Gene: SPTLC1 (serine palmitoyltransferase long chain base subunit 1; minus strand). Cytogenetic location: 9q22.31.
Variant type: single nucleotide variant.
Coding change: c.524T>C on transcript NM_006415.4 (MANE Select); coding-DNA position 524, T replaced by C.
Protein change: p.Ile175Thr; replaces isoleucine 175 with threonine.
Molecular consequence: missense variant.
Genome position (GRCh38, 1-based): chr9:92,068,002, A>G on the plus strand (T>C on the coding strand, the complement: SPTLC1 is on the minus strand). VCF-style: chr9-92068002-A-G. GRCh37 (hg19) VCF-style: chr9-94830284-A-G.
Other names: c.524T>C, p.Ile175Thr (NM_001281303.2); c.158T>C, p.Ile53Thr (NM_001368272.1); c.59T>C, p.Ile20Thr (NM_001368273.1); short protein forms I175T, I20T, I53T.
Identifiers: ClinVar variation 1021852 (VCV001021852.8), dbSNP rs747649997, ClinGen allele CA5121520.

ClinVar aggregate classification (germline): Uncertain significance (1 of 4 stars; one submission).

Conditions:
Hereditary sensory and autonomic neuropathy type 1 (HSAN1). Also called: HSAN 1; HSN Type I; Hereditary Sensory Neuropathy Type I. Identifiers: Orphanet 36386, MedGen C0020071, MONDO:0018213.

Allele frequency attached by ClinVar (database versions not stated): gnomAD exomes below 0.00001; TOPMed below 0.00001; ExAC 0.00001.
gnomAD v4.1: 3 of 1,614,160 alleles (0.00019%); highest among the groups gnomAD compares: Non-Finnish European, 0.00025%; no homozygotes.

Submission:

Labcorp Genetics (formerly Invitae), Labcorp
Classification: Uncertain significance for Hereditary sensory and autonomic neuropathy type 1. Last evaluated: 2023-04-07. Review status: criteria provided, single submitter. Criteria: Invitae Variant Classification Sherloc (09022015). Collection method: clinical testing. Allele origin: germline.
Comment: This variant is present in population databases (rs747649997, gnomAD 0.0009%). This sequence change replaces isoleucine, which is neutral and non-polar, with threonine, which is neutral and polar, at codon 175 of the SPTLC1 protein (p.Ile175Thr). This variant has not been reported in the literature in individuals affected with SPTLC1-related conditions. In summary, the available evidence is currently insufficient to determine the role of this variant in disease. Therefore, it has been classified as a Variant of Uncertain Significance. Advanced modeling of protein sequence and biophysical properties (such as structural, functional, and spatial information, amino acid conservation, physicochemical variation, residue mobility, and thermodynamic stability) performed at Invitae indicates that this missense variant is expected to disrupt SPTLC1 protein function. ClinVar contains an entry for this variant (Variation ID: 1021852).